The following is an entry in ClinVar:

ClinVar aggregate classification (germline): Uncertain significance (1 of 4 stars; one submission).

Conditions:
Hereditary cancer-predisposing syndrome. Also called: Neoplastic Syndromes, Hereditary; Tumor predisposition; Hereditary neoplastic syndrome; Hereditary Cancer Syndrome. Identifiers: Orphanet 140162, MedGen C0027672, MeSH D009386, MONDO:0015356.
Cardiovascular phenotype. Identifiers: MedGen CN230736.

Submission:

Ambry Genetics
Classification: Uncertain significance for Cardiovascular phenotype; Hereditary cancer-predisposing syndrome. Last evaluated: 2023-09-16. Review status: criteria provided, single submitter. Criteria: Ambry Variant Classification Scheme 2023. Collection method: clinical testing. Allele origin: germline.
Comment: The p.K632E variant (also known as c.1894A>G), located in coding exon 16 of the LZTR1 gene, results from an A to G substitution at nucleotide position 1894. The lysine at codon 632 is replaced by glutamic acid, an amino acid with similar properties. This amino acid position is conserved. In addition, the in silico prediction for this alteration is inconclusive. Since supporting evidence is limited at this time, the clinical significance of this alteration remains unclear.

NM_006767.4(LZTR1):c.1894A>G (p.Lys632Glu)

Gene: LZTR1 (leucine zipper like post translational regulator 1; plus strand). Cytogenetic location: 22q11.21.
Variant type: single nucleotide variant.
Coding change: c.1894A>G on transcript NM_006767.4 (MANE Select); coding-DNA position 1894, A replaced by G.
Protein change: p.Lys632Glu; replaces lysine 632 with glutamic acid.
Molecular consequence: missense variant.
Genome position (GRCh38, 1-based): chr22:20,994,978, A>G. VCF-style: chr22-20994978-A-G. GRCh37 (hg19) VCF-style: chr22-21349267-A-G.
Other names: short protein forms K632E.
Identifiers: ClinVar variation 3238161 (VCV003238161.1), dbSNP rs1353029152.